The following is an entry in ClinVar:

NM_172240.3(POC1B):c.1032+3G>A

Genes: POC1B (POC1 centriolar protein B; minus strand), POC1B-DUSP6 (POC1B-DUSP6 readthrough; minus strand). Cytogenetic location: 12q21.33.
Variant type: single nucleotide variant.
Coding change: c.1032+3G>A on transcript NM_172240.3 (MANE Select); 3 bases into the intron after coding-DNA position 1032, G replaced by A.
Molecular consequence: intron variant.
Genome position (GRCh38, 1-based): chr12:89,466,767, C>T on the plus strand (G>A on the coding strand, the complement: POC1B is on the minus strand). VCF-style: chr12-89466767-C-T. GRCh37 (hg19) VCF-style: chr12-89860544-C-T.
Other names: c.906+3G>A (NM_001199777.2).
Identifiers: ClinVar variation 1004015 (VCV001004015.8), dbSNP rs566190697, ClinGen allele CA241199371.

ClinVar aggregate classification (germline): Conflicting classifications of pathogenicity. Review status: criteria provided, conflicting classifications (1 of 4 stars). 2 submissions from 2 submitters: Uncertain significance (1); Likely benign (1). Last evaluated 2024-09-13.

Allele frequency attached by ClinVar (database versions not stated): gnomAD exomes below 0.00001; TOPMed 0.00002; gnomAD 0.00005.
gnomAD v4.1: 15 of 1,603,522 alleles (0.00094%); highest among the groups gnomAD compares: African/African-American, 0.016%; no homozygotes.

Submissions (2):

Blueprint Genetics
Classification: Likely benign. Last evaluated: 2024-09-13. Review status: criteria provided, single submitter. Criteria: ACMG Guidelines, 2015. Collection method: clinical testing. Allele origin: germline.

Labcorp Genetics (formerly Invitae), Labcorp
Classification: Uncertain significance. Last evaluated: 2020-02-26. Review status: criteria provided, single submitter. Criteria: Invitae Variant Classification Sherloc (09022015). Collection method: clinical testing. Allele origin: germline.
Comment: This variant has not been reported in the literature in individuals with POC1B-related conditions. This sequence change falls in intron 9 of the POC1B gene. It does not directly change the encoded amino acid sequence of the POC1B protein, but it affects a nucleotide within the consensus splice site of the intron. This variant is not present in population databases (ExAC no frequency). Nucleotide substitutions within the consensus splice site are a relatively common cause of aberrant splicing (PMID: 17576681, 9536098). Algorithms developed to predict the effect of sequence changes on RNA splicing suggest that this variant is not likely to affect RNA splicing, but this prediction has not been confirmed by published transcriptional studies. In summary, the available evidence is currently insufficient to determine the role of this variant in disease. Therefore, it has been classified as a Variant of Uncertain Significance.

Literature cited by the submitters: PubMed 17576681 (cited by Labcorp Genetics (formerly Invitae), Labcorp); PubMed 9536098 (cited by Labcorp Genetics (formerly Invitae), Labcorp).